The following is an entry in ClinVar:

NM_000185.4(SERPIND1):c.161T>G (p.Leu54Arg)

Genes: PI4KA (phosphatidylinositol 4-kinase alpha; minus strand), SERPIND1 (serpin family D member 1; plus strand). Cytogenetic location: 22q11.21.
Variant type: single nucleotide variant.
Coding change: c.161T>G on transcript NM_000185.4 (MANE Select); coding-DNA position 161, T replaced by G.
Protein change: p.Leu54Arg; replaces leucine 54 with arginine.
Molecular consequence: missense variant. On other transcripts: intron variant (3).
Genome position (GRCh38, 1-based): chr22:20,779,473, T>G. VCF-style: chr22-20779473-T-G. GRCh37 (hg19) VCF-style: chr22-21133761-T-G.
Other names: c.2262+13720A>C (NM_001362863.2); c.2328+13720A>C (NM_001362862.2, NM_058004.4); short protein forms L54R.
Identifiers: ClinVar variation 1676740 (VCV001676740.1), dbSNP rs563129167, ClinGen allele CA322258421.

ClinVar aggregate classification (germline): Uncertain significance (1 of 4 stars; one submission).

Conditions:
Heparin cofactor II deficiency. Also called: Heparin cofactor 2 deficiency; THROMBOPHILIA DUE TO HEPARIN COFACTOR II DEFICIENCY; HCF II DEFICIENCY; HCF2 DEFICIENCY. Identifiers: MedGen C0398626, MONDO:0012876, OMIM 612356.

Allele frequency attached by ClinVar (database versions not stated): gnomAD exomes below 0.00001; TOPMed below 0.00001; gnomAD 0.00001.
gnomAD v4.1: 3 of 1,614,046 alleles (0.00019%); highest among the groups gnomAD compares: Non-Finnish European, 0.00025%; no homozygotes.

Submission:

ISTH-SSC Genomics in Thrombosis and Hemostasis, KU Leuven, Center for Molecular and Vascular Biology
Classification: Uncertain significance for Heparin cofactor II deficiency. Review status: criteria provided, single submitter. Criteria: ACMG Guidelines, 2015. Collection method: clinical testing. Allele origin: unknown. Affected: yes.
Comment: Submitted to GoldVariant by Kathleen Freson, Center for Molecular and Vascular Biology, Leuven, Belgium

Literature cited by the submitters: PubMed 34355501.